The following is an entry in ClinVar:

ClinVar aggregate classification (germline): Conflicting classifications of pathogenicity. Review status: criteria provided, conflicting classifications (1 of 4 stars). 3 submissions from 3 submitters: Likely pathogenic (1); Uncertain significance (2). Last evaluated 2025-03-12.

Conditions:
Isolated focal cortical dysplasia type II (FCORD2). Also called: Focal cortical dysplasia type II; CORTICAL DYSPLASIA OF TAYLOR. Identifiers: Orphanet 268994, MedGen C1846385, MONDO:0011818, OMIM 607341, HP:0032051.
Hereditary cancer-predisposing syndrome. Also called: Hereditary neoplastic syndrome; Neoplastic Syndromes, Hereditary; Tumor predisposition; Hereditary Cancer Syndrome. Identifiers: Orphanet 140162, MedGen C0027672, MeSH D009386, MONDO:0015356.
Tuberous sclerosis 2 (TSC2). Identifiers: Orphanet 805, MedGen C1860707, MONDO:0013199, OMIM 613254.

Submissions (3):

Ambry Genetics
Classification: Uncertain significance for Hereditary cancer-predisposing syndrome. Last evaluated: 2025-03-12. Review status: criteria provided, single submitter. Criteria: Ambry Variant Classification Scheme 2023. Collection method: clinical testing. Allele origin: germline.
Comment: The c.3824delT variant, located in coding exon 31 of the TSC2 gene, results from a deletion of one nucleotide at nucleotide position 3824, causing a translational frameshift with a predicted alternate stop codon (p.F1275Sfs*50). This alteration is expected to result in loss of function by premature protein truncation or nonsense-mediated mRNA decay. However, this variant occurs in an exon that is absent in biologically relevant transcripts (Ekong R et al. Hum. Mutat. 2016 Apr; 37:362-70). Based on the available evidence, the clinical significance of this alteration remains unclear.

Baylor Genetics
Classification: Likely pathogenic for Isolated focal cortical dysplasia type II. Last evaluated: 2021-09-30. Review status: criteria provided, single submitter. Criteria: ACMG Guidelines, 2015. Collection method: clinical testing. Allele origin: unknown.

Labcorp Genetics (formerly Invitae), Labcorp
Classification: Uncertain significance for Tuberous sclerosis 2. Last evaluated: 2020-09-26. Review status: criteria provided, single submitter. Criteria: Invitae Variant Classification Sherloc (09022015). Collection method: clinical testing. Allele origin: germline.
Comment: This sequence change creates a premature translational stop signal (p.Phe1275Serfs*50) in the TSC2 gene. However, it is currently unclear if variants that occur in this region of the gene cause disease. This variant has not been reported in the literature in individuals with TSC2-related conditions. This variant is not present in population databases (ExAC no frequency). Loss-of-function variants, including donor and acceptor splice site variants, typically lead to a loss of protein function (PMID: 16199547) and loss-of-function variants in TSC2 are known to be pathogenic (PMID: 10205261, 17304050). However, exon 32 (sometimes referred to as exon 31 in the literature) has been shown to undergo alternative splicing and results in transcripts lacking exon 32 in many adult human tissues (PMID: 26703369). In summary, the available evidence is currently insufficient to determine the role of this variant in disease. Therefore, it has been classified as a Variant of Uncertain Significance.

Literature cited by the submitters: PubMed 16199547 (cited by Labcorp Genetics (formerly Invitae), Labcorp); PubMed 10205261 (cited by Labcorp Genetics (formerly Invitae), Labcorp); PubMed 17304050 (cited by Labcorp Genetics (formerly Invitae), Labcorp); PubMed 26703369 (cited by Labcorp Genetics (formerly Invitae), Labcorp).

NM_000548.5(TSC2):c.3824del (p.Phe1275fs)

Gene: TSC2 (TSC complex subunit 2; plus strand). Cytogenetic location: 16p13.3.
Variant type: Deletion.
Coding change: c.3824del on transcript NM_000548.5 (MANE Select); coding-DNA position 3824, one base deleted (T; older notation c.3824delT).
Protein change: p.Phe1275fs; shifts the reading frame from phenylalanine 1275.
Molecular consequence: frameshift variant. On other transcripts: intron variant (6).
Genome position (GRCh38, 1-based): chr16:2,082,445, T deleted; the last of 3 consecutive T bases (chr16:2,082,443-2,082,445); deleting any one gives the same sequence. VCF-style (leftmost placement, unchanged base first): chr16-2082442-CT-C. GRCh37 (hg19) VCF-style: chr16-2132443-CT-C.
Other names: c.3695del, p.Phe1232fs (NM_021055.3, NM_001370405.1); c.3814+647del (NM_001114382.3); c.3685+647del (NM_001363528.2); c.3682+647del (NM_001077183.3); c.3574+647del (NM_001318827.2); c.3538+647del (NM_001318829.2); c.3715+647del (NM_001318832.2); c.3092del, p.Phe1031fs (NM_001318831.2); and 2 more; short protein forms F1031fs, F1231fs, F1232fs, F1275fs.
Identifiers: ClinVar variation 1027135 (VCV001027135.9), dbSNP rs1185513978, ClinGen allele CA973772759.